The following is an entry in ClinVar:

ClinVar aggregate classification (germline): Likely benign (0 of 4 stars; one submission).

Conditions:
ARHGAP29-related disorder. Also called: ARHGAP29-related condition; ARHGAP29-Related Disorders.

gnomAD v4.1: 1 of 1,612,782 alleles (0.000062%); highest among the groups gnomAD compares: Non-Finnish European, 0.000085%; no homozygotes.

Submission:

PreventionGenetics, part of Exact Sciences
Classification: Likely benign for ARHGAP29-related condition. Last evaluated: 2021-10-14. Review status: no assertion criteria provided. Collection method: clinical testing. Allele origin: germline.
Comment: This variant is classified as likely benign based on ACMG/AMP sequence variant interpretation guidelines (Richards et al. 2015 PMID: 25741868, with internal and published modifications).

NM_004815.4(ARHGAP29):c.1491C>A (p.Ala497=)

Gene: ARHGAP29 (Rho GTPase activating protein 29; minus strand). Cytogenetic location: 1p22.1.
Variant type: single nucleotide variant.
Coding change: c.1491C>A on transcript NM_004815.4 (MANE Select); coding-DNA position 1491, C replaced by A.
Protein change: p.Ala497=; no amino-acid change (alanine 497 retained).
Molecular consequence: synonymous variant.
Genome position (GRCh38, 1-based): chr1:94,189,301, G>T on the plus strand (C>A on the coding strand, the complement: ARHGAP29 is on the minus strand). VCF-style: chr1-94189301-G-T. GRCh37 (hg19) VCF-style: chr1-94654857-G-T.
Other names: c.1491C>A, p.Ala497= (NM_001328664.2); c.1299C>A, p.Ala433= (NM_001328665.2, NM_001328667.2); c.1464C>A, p.Ala488= (NM_001328666.2).
Identifiers: ClinVar variation 3057064 (VCV003057064.2), dbSNP rs2524265408, ClinGen allele CA418834090.